The following is an entry in ClinVar:

ClinVar aggregate classification (germline): Likely pathogenic. Review status: criteria provided, multiple submitters, no conflicts (2 of 4 stars). 2 submissions from 2 submitters: Likely pathogenic (2). Last evaluated 2025-09-03.

Conditions:
Skeletal dysplasia, mild, with joint laxity and advanced bone age. Identifiers: MedGen C5394341, MONDO:0030029, OMIM 618870.

Allele frequency attached by ClinVar (database versions not stated): ESP Exome Variant Server 0.00008; gnomAD exomes 0.00009 and 0.00014; TOPMed 0.00010; ExAC 0.00012; gnomAD 0.00012 and 0.00013.
gnomAD v4.1: 148 of 1,614,200 alleles (0.0092%); highest among the groups gnomAD compares: East Asian, 0.0089%; no homozygotes.

Submissions (2):

First Genomix Gene Laboratory, Genetic Diagnostics Department
Classification: Likely pathogenic for Skeletal dysplasia, mild, with joint laxity and advanced bone age. Last evaluated: 2025-09-03. Review status: criteria provided, single submitter. Criteria: ACMG Guidelines, 2015. Collection method: clinical testing. Allele origin: germline. Inheritance: Autosomal recessive inheritance. Affected: no. Observed: 1 variant allele.

SIB Swiss Institute of Bioinformatics
Classification: Likely pathogenic for Skeletal dysplasia, mild, with joint laxity and advanced bone age. Last evaluated: 2020-12-04. Review status: criteria provided, single submitter. Criteria: ACMG Guidelines, 2015. Collection method: curation. Allele origin: unknown.
Comment: This variant is interpreted as Likely pathogenic for Skeletal dysplasia, mild, with joint laxity and advanced bone age, autosomal recessive. The following ACMG Tag(s) were applied: Absent from controls (or at extremely low frequency if recessive) in Exome Sequencing Project, 1000 Genomes Project, or Exome Aggregation Consortium (PM2); Multiple lines of computational evidence support a deleterious effect on the gene or gene product (PP3); Well-established functional studies show a deleterious effect (PS3 downgraded to moderate); For recessive disorders, detected in trans with a pathogenic variant (PM3 downgraded to supporting).

Literature cited by the submitters: PubMed 31705726 (cited by SIB Swiss Institute of Bioinformatics).

NM_001354483.2(CSGALNACT1):c.791A>G (p.Asn264Ser)

Gene: CSGALNACT1 (chondroitin sulfate N-acetylgalactosaminyltransferase 1; minus strand). Cytogenetic location: 8p21.3.
Variant type: single nucleotide variant.
Coding change: c.791A>G on transcript NM_001354483.2 (MANE Select); coding-DNA position 791, A replaced by G.
Protein change: p.Asn264Ser; replaces asparagine 264 with serine.
Molecular consequence: missense variant. On other transcripts: non-coding transcript variant (7).
Genome position (GRCh38, 1-based): chr8:19,458,486, T>C on the plus strand (A>G on the coding strand, the complement: CSGALNACT1 is on the minus strand). VCF-style: chr8-19458486-T-C. GRCh37 (hg19) VCF-style: chr8-19315997-T-C.
Other names: c.791A>G, p.Asn264Ser (NM_001130518.2, NM_001354475.2, NM_001354476.2 and 18 more transcripts); short protein forms N264S.
Identifiers: ClinVar variation 992625 (VCV000992625.1), dbSNP rs201151136, ClinGen allele CA4654112.